The following is an entry in ClinVar:

NM_000702.4(ATP1A2):c.2761G>A (p.Ala921Thr)

Gene: ATP1A2 (ATPase Na+/K+ transporting subunit alpha 2; plus strand). Cytogenetic location: 1q23.2.
Variant type: single nucleotide variant.
Coding change: c.2761G>A on transcript NM_000702.4 (MANE Select); coding-DNA position 2761, G replaced by A.
Protein change: p.Ala921Thr; replaces alanine 921 with threonine.
Molecular consequence: missense variant.
Genome position (GRCh38, 1-based): chr1:160,136,952, G>A. VCF-style: chr1-160136952-G-A. GRCh37 (hg19) VCF-style: chr1-160106742-G-A.
Other names: short protein forms A921T.
Identifiers: ClinVar variation 3901647 (VCV003901647.1).

ClinVar aggregate classification (germline): Uncertain significance (1 of 4 stars; one submission).

Submission:

GeneDx
Classification: Uncertain significance. Last evaluated: 2024-12-06. Review status: criteria provided, single submitter. Criteria: GeneDx Variant Classification Process June 2021. Collection method: clinical testing. Allele origin: germline. Affected: yes.
Comment: Not observed at significant frequency in large population cohorts (gnomAD); In silico analysis indicates that this missense variant does not alter protein structure/function; Has not been previously published as pathogenic or benign to our knowledge